The following is an entry in ClinVar:

ClinVar aggregate classification (germline): Pathogenic/Likely pathogenic. Review status: criteria provided, multiple submitters, no conflicts (2 of 4 stars). 4 submissions from 4 submitters: Pathogenic (1); Likely pathogenic (1). 2 of the submissions do not count toward it. Last evaluated 2023-10-10.

Conditions:
CD3D-related disorder. Also called: CD3D-related condition.
Immunodeficiency 19 (IMD19). Also called: IMMUNODEFICIENCY 19, SEVERE COMBINED; CD3-DELTA DEFICIENCY; SEVERE COMBINED IMMUNODEFICIENCY, T CELL-NEGATIVE, B CELL-POSITIVE, NK CELL-POSITIVE; SCID, T CELL-NEGATIVE, B CELL-POSITIVE, NK CELL-POSITIVE. Identifiers: MedGen C3810147, MONDO:0014280, OMIM 615617.

Allele frequency attached by ClinVar (database versions not stated): gnomAD exomes 0.00001 and below 0.00001; ExAC 0.00001.
gnomAD v4.1: 5 of 1,610,366 alleles (0.00031%); highest among the groups gnomAD compares: Admixed American, 0.0033%; no homozygotes.

Submissions (4):

Labcorp Genetics (formerly Invitae), Labcorp
Classification: Pathogenic for Immunodeficiency 19. Last evaluated: 2023-10-10. Review status: criteria provided, single submitter. Criteria: Invitae Variant Classification Sherloc (09022015). Collection method: clinical testing. Allele origin: germline.
Comment: This sequence change falls in intron 2 of the CD3D gene. It does not directly change the encoded amino acid sequence of the CD3D protein. RNA analysis indicates that this variant induces altered splicing and likely results in a shortened protein product. This variant is present in population databases (rs730880296, gnomAD 0.003%). This variant has been observed in individuals with severe combined immunodeficiency (PMID: 21926461, 31031743; Invitae). This variant is also known as IVS2+5G>A. ClinVar contains an entry for this variant (Variation ID: 180674). Variants that disrupt the consensus splice site are a relatively common cause of aberrant splicing (PMID: 17576681, 9536098). Studies have shown that this variant results in skipping of 2, but is expected to preserve the integrity of the reading-frame (PMID: 21926461). For these reasons, this variant has been classified as Pathogenic.

PreventionGenetics, part of Exact Sciences
Classification: Likely pathogenic for CD3D-related condition. Last evaluated: 2023-01-12. Review status: criteria provided, single submitter. Criteria: ACMG Guidelines, 2015. Collection method: clinical testing. Allele origin: germline.
Comment: The CD3D c.274+5G>A variant is predicted to interfere with splicing. This variant (also known as IVS2+5G>A) has been shown to result in skipping of exon 2 and was reported in the homozygous state in two individuals with severe combined immunodeficiency (Gil et al. 2011. PubMed ID: 21926461; Cifaldi et al. 2019. PubMed ID: 31031743). This variant is reported in 0.0029% of alleles in individuals of Latino descent in gnomAD. This variant is interpreted as likely pathogenic.

Department of Immunology, School of Medicine, Complutense University
Classification: Pathogenic for IMMUNODEFICIENCY 19. Last evaluated: 2014-11-27. Review status: no assertion criteria provided. Collection method: case-control. Allele origin: inherited. Affected: yes. Observed: 15 variant alleles. Not counted in ClinVar's aggregate classification.

OMIM
Classification: Pathogenic for IMMUNODEFICIENCY 19. Last evaluated: 2011-10-01. Review status: no assertion criteria provided. Collection method: literature only. Allele origin: germline. Not counted in ClinVar's aggregate classification.

Literature cited by the submitters: PubMed 21926461 (cited by 3 submitters); PubMed 31031743 (cited by Labcorp Genetics (formerly Invitae), Labcorp); PubMed 17576681 (cited by Labcorp Genetics (formerly Invitae), Labcorp); PubMed 9536098 (cited by Labcorp Genetics (formerly Invitae), Labcorp); PubMed 23336327 (cited by Department of Immunology, School of Medicine, Complutense University); PubMed 24290291 (cited by Department of Immunology, School of Medicine, Complutense University); PubMed 25344390 (cited by Department of Immunology, School of Medicine, Complutense University).

NM_000732.6(CD3D):c.274+5G>A

Gene: CD3D (CD3 delta subunit of T-cell receptor complex; minus strand). Cytogenetic location: 11q23.3.
Variant type: single nucleotide variant.
Coding change: c.274+5G>A on transcript NM_000732.6 (MANE Select); 5 bases into the intron after coding-DNA position 274, G replaced by A.
Molecular consequence: intron variant.
Genome position (GRCh38, 1-based): chr11:118,340,370, C>T on the plus strand (G>A on the coding strand, the complement: CD3D is on the minus strand). VCF-style: chr11-118340370-C-T. GRCh37 (hg19) VCF-style: chr11-118211085-C-T.
Other names: IVS2DS, G-A, +5; c.274+5G>A (NM_001040651.2, NM_000732.4).
Identifiers: ClinVar variation 180674 (VCV000180674.8), dbSNP rs730880296, ClinGen allele CA185942.